The following is an entry in ClinVar:

ClinVar aggregate classification (germline): Uncertain significance. Review status: criteria provided, multiple submitters, no conflicts (2 of 4 stars). 4 submissions from 4 submitters: Uncertain significance (2). 2 of the submissions do not count toward it. Last evaluated 2025-10-23.

Conditions:
Myofibrillar myopathy 4. Also called: Zaspopathy (type). Identifiers: Orphanet 98912, MedGen C4721886, MONDO:0012277, OMIM 609452.
Cardiovascular phenotype. Identifiers: MedGen CN230736.

Allele frequency attached by ClinVar (database versions not stated): gnomAD exomes 0.00002; ExAC 0.00003; TOPMed 0.00003; ESP Exome Variant Server 0.00008.
gnomAD v4.1: 27 of 1,611,482 alleles (0.0017%); highest among the groups gnomAD compares: Admixed American, 0.005%; no homozygotes.

Submissions (4):

Labcorp Genetics (formerly Invitae), Labcorp
Classification: Uncertain significance for Myofibrillar myopathy 4. Last evaluated: 2025-10-23. Review status: criteria provided, single submitter. Criteria: Invitae Variant Classification Sherloc (09022015). Collection method: clinical testing. Allele origin: germline.
Comment: The LDB3 gene has multiple clinically relevant transcripts. The p.Ser203Leu variant occurs in alternate transcript NM_007078.3, and corresponds to NM_001080116.1:c.321+1565C>T in the primary transcript. This sequence change replaces serine, which is neutral and polar, with leucine, which is neutral and non-polar, at codon 203 of the LDB3 protein (p.Ser203Leu). This variant is present in population databases (rs201538257, gnomAD 0.005%). This missense change has been observed in individual(s) with clinical features of LDB3-related conditions (PMID: 30471092, 32880476, 34088380). ClinVar contains an entry for this variant (Variation ID: 970872). Experimental studies and prediction algorithms are not available or were not evaluated, and the functional significance of this variant is currently unknown. Algorithms developed to predict the effect of sequence changes on RNA splicing suggest that this variant is not likely to affect RNA splicing. In summary, the available evidence is currently insufficient to determine the role of this variant in disease. Therefore, it has been classified as a Variant of Uncertain Significance.

Ambry Genetics
Classification: Uncertain significance for Cardiovascular phenotype. Last evaluated: 2025-04-23. Review status: criteria provided, single submitter. Criteria: Ambry Variant Classification Scheme 2023. Collection method: clinical testing. Allele origin: germline.
Comment: The p.S203L variant (also known as c.608C>T), located in coding exon 4 of the LDB3 gene, results from a C to T substitution at nucleotide position 608. The serine at codon 203 is replaced by leucine, an amino acid with dissimilar properties. This variant was reported in individuals with cardiomyopathy cohorts (Richard P et al. Clin Genet, 2019 Mar;95:356-367; Verdonschot JAJ et al. Circ Genom Precis Med, 2020 Oct;13:476-487; Cambon-Viala M et al. J Card Fail, 2021 Jun;27:677-681). This amino acid position is highly conserved in available vertebrate species. In addition, this alteration is predicted to be deleterious by in silico analysis. Based on the available evidence, the clinical significance of this variant remains unclear.

Diagnostic Laboratory, Department of Genetics, University Medical Center Groningen
Classification: Uncertain significance. Review status: no assertion criteria provided. Collection method: clinical testing. Allele origin: germline. Affected: yes. Study: VKGL Data-share Consensus. Not counted in ClinVar's aggregate classification.

Joint Genome Diagnostic Labs from Nijmegen and Maastricht, Radboudumc and MUMC+
Classification: Uncertain significance. Review status: no assertion criteria provided. Collection method: clinical testing. Allele origin: germline. Affected: yes. Study: VKGL Data-share Consensus. Not counted in ClinVar's aggregate classification.

Literature cited by the submitters: PubMed 30471092 (cited by Labcorp Genetics (formerly Invitae), Labcorp and Ambry Genetics); PubMed 32880476 (cited by Labcorp Genetics (formerly Invitae), Labcorp and Ambry Genetics); PubMed 34088380 (cited by Labcorp Genetics (formerly Invitae), Labcorp and Ambry Genetics); PubMed 29988065 (cited by Ambry Genetics).

NM_007078.3(LDB3):c.608C>T (p.Ser203Leu)

Gene: LDB3 (LIM domain binding 3; plus strand). Cytogenetic location: 10q23.2.
Variant type: single nucleotide variant.
Coding change: c.608C>T on transcript NM_007078.3 (MANE Select); coding-DNA position 608, C replaced by T.
Protein change: p.Ser203Leu; replaces serine 203 with leucine.
Molecular consequence: missense variant. On other transcripts: intron variant (5).
Genome position (GRCh38, 1-based): chr10:86,681,722, C>T. VCF-style: chr10-86681722-C-T. GRCh37 (hg19) VCF-style: chr10-88441479-C-T.
Other names: c.608C>T, p.Ser203Leu (NM_001080115.2, NM_001171610.2, NM_001171611.2 and 3 more transcripts); c.321+1565C>T (NM_001368068.1, NM_001368066.1, NM_001080114.2 and 2 more transcripts); short protein forms S203L.
Identifiers: ClinVar variation 970872 (VCV000970872.16), dbSNP rs201538257, ClinGen allele CA5584747.